The following is an entry in ClinVar:

ClinVar aggregate classification (germline): Uncertain significance. Review status: criteria provided, multiple submitters, no conflicts (2 of 4 stars). 2 submissions from 2 submitters: Uncertain significance (2). Last evaluated 2025-05-21.

Conditions:
Perlman syndrome (PRLMNS). Identifiers: Orphanet 2849, MedGen C0796113, MONDO:0009965, OMIM 267000.

Allele frequency attached by ClinVar (database versions not stated): ExAC 0.00002; gnomAD 0.00005 and 0.00006; TOPMed 0.00010; 1000 Genomes Project 0.00020; 1000 Genomes Project 30x 0.00031.
gnomAD v4.1: 19 of 1,614,010 alleles (0.0012%); highest among the groups gnomAD compares: African/African-American, 0.025%; no homozygotes.

Submissions (2):

Labcorp Genetics (formerly Invitae), Labcorp
Classification: Uncertain significance for Perlman syndrome. Last evaluated: 2025-05-21. Review status: criteria provided, single submitter. Criteria: Invitae Variant Classification Sherloc (09022015). Collection method: clinical testing. Allele origin: germline.
Comment: This sequence change replaces isoleucine, which is neutral and non-polar, with phenylalanine, which is neutral and non-polar, at codon 516 of the DIS3L2 protein (p.Ile516Phe). This variant is present in population databases (rs183901077, gnomAD 0.01%). This variant has not been reported in the literature in individuals affected with DIS3L2-related conditions. ClinVar contains an entry for this variant (Variation ID: 640706). An algorithm developed to predict the effect of missense changes on protein structure and function (PolyPhen-2) suggests that this variant is likely to be disruptive. In summary, the available evidence is currently insufficient to determine the role of this variant in disease. Therefore, it has been classified as a Variant of Uncertain Significance.

Illumina Laboratory Services, Illumina
Classification: Uncertain significance for Perlman syndrome. Last evaluated: 2018-01-12. Review status: criteria provided, single submitter. Criteria: ICSL Variant Classification Criteria 13 December 2019. Collection method: clinical testing. Allele origin: germline.

NM_152383.5(DIS3L2):c.1546A>T (p.Ile516Phe)

Gene: DIS3L2 (DIS3 like 3'-5' exoribonuclease 2; plus strand). Cytogenetic location: 2q37.1.
Variant type: single nucleotide variant.
Coding change: c.1546A>T on transcript NM_152383.5 (MANE Select); coding-DNA position 1546, A replaced by T.
Protein change: p.Ile516Phe; replaces isoleucine 516 with phenylalanine.
Molecular consequence: missense variant. On other transcripts: non-coding transcript variant (2).
Genome position (GRCh38, 1-based): chr2:232,263,327, A>T. VCF-style: chr2-232263327-A-T. GRCh37 (hg19) VCF-style: chr2-233128037-A-T.
Other names: c.1546A>T, p.Ile516Phe (NM_001257281.2); short protein forms I516F.
Identifiers: ClinVar variation 640706 (VCV000640706.12), dbSNP rs183901077, ClinGen allele CA2164186.